The following is an entry in ClinVar:

ClinVar aggregate classification (germline): Uncertain significance. Review status: criteria provided, multiple submitters, no conflicts (2 of 4 stars). 2 submissions from 2 submitters: Uncertain significance (2). Last evaluated 2024-07-09.

gnomAD v4.1: 21 of 1,613,514 alleles (0.0013%); highest among the groups gnomAD compares: Non-Finnish European, 0.0015%; no homozygotes.

Submissions (2):

Ambry Genetics
Classification: Uncertain significance. Last evaluated: 2024-07-09. Review status: criteria provided, single submitter. Criteria: Ambry Variant Classification Scheme 2023. Collection method: clinical testing. Allele origin: germline.

Labcorp Genetics (formerly Invitae), Labcorp
Classification: Uncertain significance. Last evaluated: 2022-08-23. Review status: criteria provided, single submitter. Criteria: Invitae Variant Classification Sherloc (09022015). Collection method: clinical testing. Allele origin: germline.
Comment: In summary, the available evidence is currently insufficient to determine the role of this variant in disease. Therefore, it has been classified as a Variant of Uncertain Significance. This sequence change replaces histidine, which is basic and polar, with tyrosine, which is neutral and polar, at codon 356 of the DHX38 protein (p.His356Tyr). This variant is not present in population databases (gnomAD no frequency). This variant has not been reported in the literature in individuals affected with DHX38-related conditions. ClinVar contains an entry for this variant (Variation ID: 1470460). Algorithms developed to predict the effect of missense changes on protein structure and function are either unavailable or do not agree on the potential impact of this missense change (SIFT: "Deleterious"; PolyPhen-2: "Benign"; Align-GVGD: "Class C25").

NM_014003.4(DHX38):c.1066C>T (p.His356Tyr)

Gene: DHX38 (DEAH-box helicase 38; plus strand). Cytogenetic location: 16q22.2.
Variant type: single nucleotide variant.
Coding change: c.1066C>T on transcript NM_014003.4 (MANE Select); coding-DNA position 1066, C replaced by T.
Protein change: p.His356Tyr; replaces histidine 356 with tyrosine.
Molecular consequence: missense variant.
Genome position (GRCh38, 1-based): chr16:72,099,837, C>T. VCF-style: chr16-72099837-C-T. GRCh37 (hg19) VCF-style: chr16-72133736-C-T.
Other names: c.1066C>T (NM_014003.3); short protein forms H356Y.
Identifiers: ClinVar variation 1470460 (VCV001470460.9), dbSNP rs778359237, ClinGen allele CA396704474.